The following is an entry in ClinVar:

ClinVar aggregate classification (germline): Conflicting classifications of pathogenicity. Review status: criteria provided, conflicting classifications (1 of 4 stars). 3 submissions from 3 submitters: Uncertain significance (1); Likely benign (2). Last evaluated 2024-10-09.

Conditions:
NRXN1-related disorder.
Chromosome 2p16.3 deletion syndrome. Identifiers: MedGen C3808494, MONDO:0013696, OMIM 614332.
Pitt-Hopkins-like syndrome 2 (PTHSL2). Identifiers: Orphanet 221150, Orphanet 600663, MedGen C3280479, MONDO:0013690, OMIM 614325.

Allele frequency attached by ClinVar (database versions not stated): TOPMed 0.00002; gnomAD exomes 0.00003; gnomAD 0.00004.
gnomAD v4.1: 17 of 1,242,596 alleles (0.0014%); highest among the groups gnomAD compares: African/African-American, 0.021%; no homozygotes.

Submissions (3):

PreventionGenetics, part of Exact Sciences
Classification: Likely benign for NRXN1-related condition. Last evaluated: 2024-10-09. Review status: criteria provided, single submitter. Criteria: ACMG Guidelines, 2015. Collection method: clinical testing. Allele origin: germline.
Comment: This variant is classified as likely benign based on ACMG/AMP sequence variant interpretation guidelines (Richards et al. 2015 PMID: 25741868, with internal and published modifications).

GeneDx
Classification: Likely benign. Last evaluated: 2019-04-04. Review status: criteria provided, single submitter. Criteria: GeneDx Variant Classification Process June 2021. Collection method: clinical testing. Allele origin: germline. Affected: yes.

Center for Genomics, Ann and Robert H. Lurie Children's Hospital of Chicago
Classification: Uncertain significance for Pitt-Hopkins-like syndrome 2; Chromosome 2p16.3 deletion syndrome. Review status: criteria provided, single submitter. Criteria: ACMG Guidelines, 2015. Collection method: clinical testing. Allele origin: germline.
Comment: NRXN1: NM_138735 exon 1 p.Gly26Gly (c.78C>T): This variant has not been reported in the literature but is is present in 1/8412 African alleles in the Genome Aggregation Database. Evolutionary conservation and computational predictive tools for this variant are limited or unavailable. Of note, this variant is a silent variant and does not change the amino acid, reducing the probability that this variant is disease causing. In summary, data on this variant is insufficient for disease classification. Therefore, the clinical significance of this variant is uncertain

NM_001330078.2(NRXN1):c.3365-109902C>T

Gene: NRXN1 (neurexin 1; minus strand). Cytogenetic location: 2p16.3.
Variant type: single nucleotide variant.
Coding change: c.3365-109902C>T on transcript NM_001330078.2 (MANE Select); 109902 bases into the intron before coding-DNA position 3365, C replaced by T.
Molecular consequence: intron variant. On other transcripts: synonymous variant (4).
Genome position (GRCh38, 1-based): chr2:50,346,872, G>A on the plus strand (C>T on the coding strand, the complement: NRXN1 is on the minus strand). VCF-style: chr2-50346872-G-A. GRCh37 (hg19) VCF-style: chr2-50574010-G-A.
Other names: c.78C>T, p.Gly26= (NM_001330091.2, NM_001330092.2, NM_001330097.2 and 1 more transcripts); c.3254-109902C>T (NM_001330096.2, NM_001330087.2); c.3299-109902C>T (NM_001330083.2, NM_001330084.2); c.3284-109902C>T (NM_001330088.2); c.3362-109902C>T (NM_001330093.2); c.3353-109902C>T (NM_001330094.2); c.3314-109902C>T (NM_001330095.2); c.3341-109902C>T (NM_001330082.2, NM_001330077.2); and 4 more.
Identifiers: ClinVar variation 625988 (VCV000625988.6), dbSNP rs113067443, ClinGen allele CA47914110.